The following is an entry in ClinVar:

NM_006231.4(POLE):c.5812-4dup

Gene: POLE (DNA polymerase epsilon, catalytic subunit; minus strand). Cytogenetic location: 12q24.33.
Variant type: Duplication.
Coding change: c.5812-4dup on transcript NM_006231.4 (MANE Select); 4 bases into the intron before coding-DNA position 5812, one base duplicated (A; older notation c.5812-4dupA).
Molecular consequence: intron variant.
Genome position (GRCh38, 1-based): chr12:132,634,382, T duplicated on the plus strand (A on the coding strand, the reverse complement: POLE is on the minus strand). VCF-style (leftmost placement, unchanged base first): chr12-132634381-G-GT. GRCh37 (hg19) VCF-style: chr12-133210967-G-GT.
Identifiers: ClinVar variation 1425791 (VCV001425791.8), dbSNP rs2138475808, ClinGen allele CA2573148298.
Genomic context (GRCh38, chr12:132,634,381, plus strand): 5'-CCTCATCGTCCTCATTTTCCTGCTCATCCTCTGCTCCCCCTGCTTTCTGGGAGTCTTGCT[G>GT]TAACACATGAGACAACGCGGCTGTGTTTGCACCATCGCGGCCTGGTAGAGGGGTAGGATG-3'

ClinVar aggregate classification (germline): Uncertain significance (1 of 4 stars; one submission).

Allele frequency attached by ClinVar (database versions not stated): gnomAD exomes below 0.00001.

Submission:

Labcorp Genetics (formerly Invitae), Labcorp
Classification: Uncertain significance. Last evaluated: 2023-02-16. Review status: criteria provided, single submitter. Criteria: Invitae Variant Classification Sherloc (09022015). Collection method: clinical testing. Allele origin: germline.
Comment: This variant is not present in population databases (gnomAD no frequency). In summary, the available evidence is currently insufficient to determine the role of this variant in disease. Therefore, it has been classified as a Variant of Uncertain Significance. Variants that disrupt the consensus splice site are a relatively common cause of aberrant splicing (PMID: 17576681, 9536098). Algorithms developed to predict the effect of sequence changes on RNA splicing suggest that this variant may disrupt the consensus splice site. ClinVar contains an entry for this variant (Variation ID: 1425791). This variant has not been reported in the literature in individuals affected with POLE-related conditions. This sequence change falls in intron 42 of the POLE gene. It does not directly change the encoded amino acid sequence of the POLE protein. It affects a nucleotide within the consensus splice site.

Literature cited by the submitters: PubMed 17576681; PubMed 9536098.